The following is an entry in ClinVar:

ClinVar aggregate classification (germline): Likely pathogenic (0 of 4 stars; one submission).

Conditions:
LARGE1-related disorder. Also called: LARGE1-related condition.

gnomAD v4.1: 1 of 1,614,172 alleles (0.000062%); no homozygotes.

Submission:

PreventionGenetics, part of Exact Sciences
Classification: Likely pathogenic for LARGE1-related condition. Last evaluated: 2024-08-21. Review status: no assertion criteria provided. Collection method: clinical testing. Allele origin: germline.
Comment: The LARGE1 c.847A>T variant is predicted to result in premature protein termination (p.Lys283*). To our knowledge, this variant has not been reported in the literature or in a large population database, indicating this variant is rare. Nonsense variants in LARGE1 are expected to be pathogenic. This variant is interpreted as likely pathogenic.

NM_133642.5(LARGE1):c.847A>T (p.Lys283Ter)

Gene: LARGE1 (LARGE xylosyl- and glucuronyltransferase 1; minus strand). Cytogenetic location: 22q12.3.
Variant type: single nucleotide variant.
Coding change: c.847A>T on transcript NM_133642.5 (MANE Select); coding-DNA position 847, A replaced by T.
Protein change: p.Lys283Ter; replaces lysine 283 with a stop codon.
Molecular consequence: nonsense.
Genome position (GRCh38, 1-based): chr22:33,432,206, T>A on the plus strand (A>T on the coding strand, the complement: LARGE1 is on the minus strand). VCF-style: chr22-33432206-T-A. GRCh37 (hg19) VCF-style: chr22-33828192-T-A.
Other names: c.847A>T, p.Lys283Ter (NM_001362949.2, NM_001362951.2, NM_001362953.2 and 7 more transcripts); c.244A>T, p.Lys82Ter (NM_001378630.1, NM_001378631.1); short protein forms K283*, K82*.
Identifiers: ClinVar variation 3358178 (VCV003358178.1).
Genomic context (GRCh38, chr22:33,432,206, plus strand): 5'-ACCCTGAGGATTTACCTGTGTTGTAGCCTCTTCCAAGGGCTGGCCATGGGCGGTGATTTT[T>A]CCACAGGTTTCCAAGGTACCAGTCACTCTGGTTCTCCACCAAGCCCAGGACTTGCTGACC-3'